The following is an entry in ClinVar:

NM_004526.4(MCM2):c.2266G>A (p.Ala756Thr)

Genes: MCM2 (minichromosome maintenance complex component 2; plus strand), LOC107986126 (uncharacterized LOC107986126; minus strand). Cytogenetic location: 3q21.3.
Variant type: single nucleotide variant.
Coding change: c.2266G>A on transcript NM_004526.4 (MANE Select); coding-DNA position 2266, G replaced by A.
Protein change: p.Ala756Thr; replaces alanine 756 with threonine.
Molecular consequence: missense variant. On other transcripts: non-coding transcript variant (1).
Genome position (GRCh38, 1-based): chr3:127,620,698, G>A. VCF-style: chr3-127620698-G-A. GRCh37 (hg19) VCF-style: chr3-127339541-G-A.
Other names: short protein forms A756T.
Identifiers: ClinVar variation 1491423 (VCV001491423.8), dbSNP rs2107697076, ClinGen allele CA354395193.

ClinVar aggregate classification (germline): Uncertain significance (1 of 4 stars; one submission).

Allele frequency attached by ClinVar (database versions not stated): gnomAD exomes 0.00001.
gnomAD v4.1: 9 of 1,586,154 alleles (0.00057%); highest among the groups gnomAD compares: Admixed American, 0.0018%; no homozygotes.

Submission:

Labcorp Genetics (formerly Invitae), Labcorp
Classification: Uncertain significance. Last evaluated: 2021-03-10. Review status: criteria provided, single submitter. Criteria: Invitae Variant Classification Sherloc (09022015). Collection method: clinical testing. Allele origin: germline.
Comment: Algorithms developed to predict the effect of missense changes on protein structure and function are either unavailable or do not agree on the potential impact of this missense change (SIFT: "Deleterious"; PolyPhen-2: "Benign"; Align-GVGD: "Class C0"). In summary, the available evidence is currently insufficient to determine the role of this variant in disease. Therefore, it has been classified as a Variant of Uncertain Significance. This variant has not been reported in the literature in individuals with MCM2-related conditions. This variant is not present in population databases (ExAC no frequency). This sequence change replaces alanine with threonine at codon 756 of the MCM2 protein (p.Ala756Thr). The alanine residue is highly conserved and there is a small physicochemical difference between alanine and threonine.